The following is an entry in ClinVar:

ClinVar aggregate classification (germline): Uncertain significance (1 of 4 stars; one submission).

Conditions:
Alstrom syndrome (ALMS). Identifiers: Orphanet 64, MedGen C0268425, MONDO:0008763, OMIM 203800.

Submission:

Labcorp Genetics (formerly Invitae), Labcorp
Classification: Uncertain significance for Alstrom syndrome. Last evaluated: 2021-10-15. Review status: criteria provided, single submitter. Criteria: Invitae Variant Classification Sherloc (09022015). Collection method: clinical testing. Allele origin: germline.
Comment: This sequence change replaces glutamine with histidine at codon 967 of the ALMS1 protein (p.Gln967His). The glutamine residue is weakly conserved and there is a small physicochemical difference between glutamine and histidine. This variant is not present in population databases (ExAC no frequency). This variant has not been reported in the literature in individuals affected with ALMS1-related conditions. Experimental studies and prediction algorithms are not available or were not evaluated, and the functional significance of this variant is currently unknown. In summary, the available evidence is currently insufficient to determine the role of this variant in disease. Therefore, it has been classified as a Variant of Uncertain Significance.

NM_001378454.1(ALMS1):c.2898G>T (p.Gln966His)

Gene: ALMS1 (ALMS1 centrosome and basal body associated protein; plus strand). Cytogenetic location: 2p13.1.
Variant type: single nucleotide variant.
Coding change: c.2898G>T on transcript NM_001378454.1 (MANE Select); coding-DNA position 2898, G replaced by T.
Protein change: p.Gln966His; replaces glutamine 966 with histidine.
Molecular consequence: missense variant.
Genome position (GRCh38, 1-based): chr2:73,449,425, G>T. VCF-style: chr2-73449425-G-T. GRCh37 (hg19) VCF-style: chr2-73676552-G-T.
Other names: c.2901G>T, p.Gln967His (NM_015120.4); short protein forms Q967H, Q966H.
Identifiers: ClinVar variation 1387375 (VCV001387375.6), dbSNP rs2103776938, ClinGen allele CA347272877.